The following is an entry in ClinVar:

ClinVar aggregate classification (germline): Likely benign (0 of 4 stars; one submission).

Conditions:
STAG3-related disorder. Also called: STAG3-related condition.

Allele frequency attached by ClinVar (database versions not stated): gnomAD 0.00001; gnomAD exomes 0.00001; TOPMed 0.00001.
gnomAD v4.1: 6 of 1,614,026 alleles (0.00037%); highest among the groups gnomAD compares: African/African-American, 0.0067%; no homozygotes.

Submission:

PreventionGenetics, part of Exact Sciences
Classification: Likely benign for STAG3-related condition. Last evaluated: 2019-08-20. Review status: no assertion criteria provided. Collection method: clinical testing. Allele origin: germline.
Comment: This variant is classified as likely benign based on ACMG/AMP sequence variant interpretation guidelines (Richards et al. 2015 PMID: 25741868, with internal and published modifications).

NM_001282717.2(STAG3):c.2208G>A (p.Glu736=)

Gene: STAG3 (STAG3 cohesin complex component; plus strand). Cytogenetic location: 7q22.1.
Variant type: single nucleotide variant.
Coding change: c.2208G>A on transcript NM_001282717.2 (MANE Select); coding-DNA position 2208, G replaced by A.
Protein change: p.Glu736=; no amino-acid change (glutamic acid 736 retained).
Molecular consequence: synonymous variant. On other transcripts: non-coding transcript variant (3).
Genome position (GRCh38, 1-based): chr7:100,201,339, G>A. VCF-style: chr7-100201339-G-A. GRCh37 (hg19) VCF-style: chr7-99798962-G-A.
Other names: c.2208G>A, p.Glu736= (NM_001282716.1, NM_001375438.1, NM_012447.4); c.2034G>A, p.Glu678= (NM_001282718.2).
Identifiers: ClinVar variation 3052367 (VCV003052367.2), dbSNP rs1354556291, ClinGen allele CA456729410.